The following is an entry in ClinVar:

NM_003749.3(IRS2):c.61AAC[9] (p.Asn28_His29insAsn)

Gene: IRS2 (insulin receptor substrate 2; minus strand). Cytogenetic location: 13q34.
Variant type: Microsatellite.
Coding change: c.61AAC[9] on transcript NM_003749.3 (MANE Select); nine copies in a row of the 3-base unit AAC starting at c.61; the reference has eight copies in a row; one copy, 3 bases duplicated.
Protein change: p.Asn28_His29insAsn.
Molecular consequence: inframe insertion.
Genome position (GRCh38, 1-based): chr13:109,785,970-109,785,972, GTT duplicated on the plus strand (AAC on the coding strand, the reverse complement: IRS2 is on the minus strand); duplicating any 3 consecutive bases within chr13:109,785,970-109,785,994 gives the same sequence; the position shown is the placement nearest the transcript's 3' end. VCF-style (leftmost placement, unchanged base first): chr13-109785969-G-GGTT. GRCh37 (hg19) VCF-style: chr13-110438316-G-GGTT.
Identifiers: ClinVar variation 3024699 (VCV003024699.22), dbSNP rs532810290, ClinGen allele CA7046716.

ClinVar aggregate classification (germline): Benign (1 of 4 stars; one submission).

Submission:

CeGaT Center for Human Genetics Tuebingen
Classification: Benign. Last evaluated: 2024-02-01. Review status: criteria provided, single submitter. Criteria: CeGaT Center For Human Genetics Tuebingen Variant Classification Criteria Version 2. Collection method: clinical testing. Allele origin: germline. Affected: yes. Observed: 1 variant allele.
Comment: IRS2: BS1, BS2